The following is an entry in ClinVar:

NM_000216.4(ANOS1):c.1598C>T (p.Pro533Leu)

Gene: ANOS1 (anosmin 1; minus strand). Cytogenetic location: Xp22.31.
Variant type: single nucleotide variant.
Coding change: c.1598C>T on transcript NM_000216.4 (MANE Select); coding-DNA position 1598, C replaced by T.
Protein change: p.Pro533Leu; replaces proline 533 with leucine.
Molecular consequence: missense variant.
Genome position (GRCh38, 1-based): chrX:8,536,794, G>A on the plus strand (C>T on the coding strand, the complement: ANOS1 is on the minus strand). VCF-style: chrX-8536794-G-A. GRCh37 (hg19) VCF-style: chrX-8504835-G-A.
Other names: short protein forms P533L.
Identifiers: ClinVar variation 2855554 (VCV002855554.3), dbSNP rs2518468051, ClinGen allele CA411987887.

ClinVar aggregate classification (germline): Uncertain significance (1 of 4 stars; one submission).

Conditions:
Hypogonadotropic hypogonadism 1 with or without anosmia (HH1). Also called: Kallmann syndrome, type 1, X-linked; DYSPLASIA OLFACTOGENITALIS OF DE MORSIER; HYPOGONADOTROPIC HYPOGONADISM 1 WITH ANOSMIA; KAL1-Related GnRH Deficiency (Kallmann Syndrome 1; Kallmann Syndrome, X-Linked); Hypogonadotropic hypogonadism 1 with or without anosmia (Kallmann syndrome 1); HYPOGONADOTROPIC HYPOGONADISM AND ANOSMIA. Identifiers: Orphanet 478, MedGen C1563719, MONDO:0010635, OMIM 308700. Disease mechanism: loss of function.

Submission:

Labcorp Genetics (formerly Invitae), Labcorp
Classification: Uncertain significance for Hypogonadotropic hypogonadism 1 with or without anosmia. Last evaluated: 2023-04-20. Review status: criteria provided, single submitter. Criteria: Invitae Variant Classification Sherloc (09022015). Collection method: clinical testing. Allele origin: germline.
Comment: This variant has not been reported in the literature in individuals affected with ANOS1-related conditions. This sequence change replaces proline, which is neutral and non-polar, with leucine, which is neutral and non-polar, at codon 533 of the ANOS1 protein (p.Pro533Leu). This variant is not present in population databases (gnomAD no frequency). Advanced modeling of protein sequence and biophysical properties (such as structural, functional, and spatial information, amino acid conservation, physicochemical variation, residue mobility, and thermodynamic stability) performed at Invitae indicates that this missense variant is not expected to disrupt ANOS1 protein function. In summary, the available evidence is currently insufficient to determine the role of this variant in disease. Therefore, it has been classified as a Variant of Uncertain Significance.